The following is an entry in ClinVar:

ClinVar aggregate classification (germline): Uncertain significance. Review status: criteria provided, multiple submitters, no conflicts (2 of 4 stars). 2 submissions from 2 submitters: Uncertain significance (2). Last evaluated 2025-04-01.

Conditions:
Neurofibromatosis, type 1 (NF1). Also called: Neurofibromatosis, type I; Peripheral type neurofibromatosis; VON RECKLINGHAUSEN DISEASE; NEUROFIBROMATOSIS, TYPE I, SOMATIC. Identifiers: Orphanet 636, MedGen C0027831, MONDO:0018975, OMIM 162200. Disease mechanism: loss of function.
Cardiovascular phenotype. Identifiers: MedGen CN230736.
Hereditary cancer-predisposing syndrome. Also called: Hereditary neoplastic syndrome; Hereditary Cancer Syndrome; Neoplastic Syndromes, Hereditary; Tumor predisposition. Identifiers: Orphanet 140162, MedGen C0027672, MeSH D009386, MONDO:0015356.

Submissions (2):

Ambry Genetics
Classification: Uncertain significance for Cardiovascular phenotype; Hereditary cancer-predisposing syndrome. Last evaluated: 2025-04-01. Review status: criteria provided, single submitter. Criteria: Ambry Variant Classification Scheme 2023. Collection method: clinical testing. Allele origin: germline.
Comment: The p.H975Y variant (also known as c.2923C>T), located in coding exon 22 of the NF1 gene, results from a C to T substitution at nucleotide position 2923. The histidine at codon 975 is replaced by tyrosine, an amino acid with similar properties. This amino acid position is highly conserved in available vertebrate species. In addition, the in silico prediction for this alteration is inconclusive. Based on the available evidence, the clinical significance of this variant remains unclear.

Labcorp Genetics (formerly Invitae), Labcorp
Classification: Uncertain significance for Neurofibromatosis, type 1. Last evaluated: 2023-07-08. Review status: criteria provided, single submitter. Criteria: Invitae Variant Classification Sherloc (09022015). Collection method: clinical testing. Allele origin: germline.
Comment: In summary, the available evidence is currently insufficient to determine the role of this variant in disease. Therefore, it has been classified as a Variant of Uncertain Significance. Advanced modeling of protein sequence and biophysical properties (such as structural, functional, and spatial information, amino acid conservation, physicochemical variation, residue mobility, and thermodynamic stability) has been performed at Invitae for this missense variant, however the output from this modeling did not meet the statistical confidence thresholds required to predict the impact of this variant on NF1 protein function. This variant has not been reported in the literature in individuals affected with NF1-related conditions. This variant is not present in population databases (gnomAD no frequency). This sequence change replaces histidine, which is basic and polar, with tyrosine, which is neutral and polar, at codon 975 of the NF1 protein (p.His975Tyr).

NM_001042492.3(NF1):c.2923C>T (p.His975Tyr)

Gene: NF1 (neurofibromin 1; plus strand). Cytogenetic location: 17q11.2.
Variant type: single nucleotide variant.
Coding change: c.2923C>T on transcript NM_001042492.3 (MANE Select); coding-DNA position 2923, C replaced by T.
Protein change: p.His975Tyr; replaces histidine 975 with tyrosine.
Molecular consequence: missense variant.
Genome position (GRCh38, 1-based): chr17:31,229,907, C>T. VCF-style: chr17-31229907-C-T. GRCh37 (hg19) VCF-style: chr17-29556925-C-T.
Other names: c.2923C>T, p.His975Tyr (NM_000267.4); short protein forms H975Y.
Identifiers: ClinVar variation 2738801 (VCV002738801.4), dbSNP rs2151430673, ClinGen allele CA398986210.
Genomic context (GRCh38, chr17:31,229,907, plus strand): 5'-GATACCAATACTCAATTTGTAGAACAAACCATAGCTATAATGAAGAACTTGCTAGATAAT[C>T]ATACTGAAGGCAGCTCTGAACATCTAGGGCAAGCTAGCATTGAAACAATGATGTTAAATC-3'
Protein context (NP_001035957.1, residues 965-985): IAIMKNLLDN[His975Tyr]TEGSSEHLGQ